The following is an entry in ClinVar:

NM_006206.6(PDGFRA):c.58C>G (p.Leu20Val)

Gene: PDGFRA (platelet derived growth factor receptor alpha; plus strand). Cytogenetic location: 4q12.
Variant type: single nucleotide variant.
Coding change: c.58C>G on transcript NM_006206.6 (MANE Select); coding-DNA position 58, C replaced by G.
Protein change: p.Leu20Val; replaces leucine 20 with valine.
Molecular consequence: missense variant.
Genome position (GRCh38, 1-based): chr4:54,261,103, C>G. VCF-style: chr4-54261103-C-G. GRCh37 (hg19) VCF-style: chr4-55127270-C-G.
Other names: c.58C>G, p.Leu20Val (NM_001347827.2, NM_001347829.2); c.133C>G, p.Leu45Val (NM_001347828.2); c.97C>G, p.Leu33Val (NM_001347830.2); short protein forms L20V, L33V, L45V.
Identifiers: ClinVar variation 528592 (VCV000528592.9), dbSNP rs1553902342, ClinGen allele CA356888159.

ClinVar aggregate classification (germline): Uncertain significance (1 of 4 stars; one submission).

Conditions:
Gastrointestinal stromal tumor. Also called: Gastrointestinal stroma tumor; Gastrointestinal stromal tumor, somatic. Identifiers: Orphanet 44890, MedGen C0238198, MeSH D046152, MONDO:0011719, OMIM 606764, HP:0100723.

Submission:

Labcorp Genetics (formerly Invitae), Labcorp
Classification: Uncertain significance for Gastrointestinal stromal tumor. Last evaluated: 2022-05-29. Review status: criteria provided, single submitter. Criteria: Invitae Variant Classification Sherloc (09022015). Collection method: clinical testing. Allele origin: germline.
Comment: This sequence change replaces leucine, which is neutral and non-polar, with valine, which is neutral and non-polar, at codon 20 of the PDGFRA protein (p.Leu20Val). This variant is not present in population databases (gnomAD no frequency). In summary, the available evidence is currently insufficient to determine the role of this variant in disease. Therefore, it has been classified as a Variant of Uncertain Significance. Algorithms developed to predict the effect of missense changes on protein structure and function are either unavailable or do not agree on the potential impact of this missense change (SIFT: "Tolerated"; PolyPhen-2: "Possibly Damaging"; Align-GVGD: "Class C0"). ClinVar contains an entry for this variant (Variation ID: 528592). This variant has not been reported in the literature in individuals affected with PDGFRA-related conditions.